The following is an entry in ClinVar:

ClinVar aggregate classification (germline): Likely benign. Review status: criteria provided, multiple submitters, no conflicts (2 of 4 stars). 3 submissions from 3 submitters: Likely benign (2). 1 of the submissions does not count toward it. Last evaluated 2025-01-13.

Conditions:
PHIP-related disorder. Also called: PHIP-related condition; PHIP-related disorders.

Allele frequency attached by ClinVar (database versions not stated): TOPMed 0.00003; gnomAD 0.00005; gnomAD exomes 0.00005; ExAC 0.00012; 1000 Genomes Project 0.00020; 1000 Genomes Project 30x 0.00031.
gnomAD v4.1: 81 of 1,613,586 alleles (0.005%); highest among the groups gnomAD compares: Middle Eastern, 0.12%; no homozygotes.

Submissions (3):

Labcorp Genetics (formerly Invitae), Labcorp
Classification: Likely benign. Last evaluated: 2025-01-13. Review status: criteria provided, single submitter. Criteria: Invitae Variant Classification Sherloc (09022015). Collection method: clinical testing. Allele origin: germline.

CeGaT Center for Human Genetics Tuebingen
Classification: Likely benign. Last evaluated: 2024-02-01. Review status: criteria provided, single submitter. Criteria: CeGaT Center For Human Genetics Tuebingen Variant Classification Criteria Version 2. Collection method: clinical testing. Allele origin: germline. Affected: yes. Observed: 1 variant allele.
Comment: PHIP: BP4

PreventionGenetics, part of Exact Sciences
Classification: Likely benign for PHIP-related condition. Last evaluated: 2023-01-19. Review status: no assertion criteria provided. Collection method: clinical testing. Allele origin: germline. Not counted in ClinVar's aggregate classification.
Comment: This variant is classified as likely benign based on ACMG/AMP sequence variant interpretation guidelines (Richards et al. 2015 PMID: 25741868, with internal and published modifications).

NM_017934.7(PHIP):c.414T>A (p.Val138=)

Gene: PHIP (PHIP subunit of CUL4-Ring ligase complex; minus strand). Cytogenetic location: 6q14.1.
Variant type: single nucleotide variant.
Coding change: c.414T>A on transcript NM_017934.7 (MANE Select); coding-DNA position 414, T replaced by A.
Protein change: p.Val138=; no amino-acid change (valine 138 retained).
Molecular consequence: synonymous variant.
Genome position (GRCh38, 1-based): chr6:79,060,503, A>T on the plus strand (T>A on the coding strand, the complement: PHIP is on the minus strand). VCF-style: chr6-79060503-A-T. GRCh37 (hg19) VCF-style: chr6-79770220-A-T.
Other names: c.414T>A (NM_017934.6).
Identifiers: ClinVar variation 2192052 (VCV002192052.27), dbSNP rs566185845, ClinGen allele CA3900379.
Genomic context (GRCh38, chr6:79,060,503, plus strand): 5'-AGGCTATTAACTACTAGTGAACTCAAACAACTCACCAATGCTGGGTGGGCTACCATAGTT[A>T]ACTGGTGACTCAGGTGGTCTTCCACAGTGCAACGCAGCCAGAGCAGATCCTTTCCACACA-3'
Protein context (NP_060404.4, residues 128-148): LHCGRPPESP[Val138=]NYGSPPSIAD